The following is an entry in ClinVar:

ClinVar aggregate classification (germline): Pathogenic. Review status: reviewed by expert panel (3 of 4 stars). 2 submissions from 2 submitters: Pathogenic (1). 1 of the submissions does not count toward it. Last evaluated 2017-12-15.

Conditions:
Hereditary cancer-predisposing syndrome. Also called: Hereditary Cancer Syndrome; Neoplastic Syndromes, Hereditary; Tumor predisposition; Hereditary neoplastic syndrome. Identifiers: Orphanet 140162, MedGen C0027672, MeSH D009386, MONDO:0015356.
Breast-ovarian cancer, familial, susceptibility to, 2 (BROVCA2). Also called: BRCA2 Hereditary Breast and Ovarian Cancer. Identifiers: Orphanet 145, MedGen C2675520, MONDO:0012933, OMIM 612555. Disease mechanism: loss of function.

Submissions (2):

Evidence-based Network for the Interpretation of Germline Mutant Alleles (ENIGMA)
Classification: Pathogenic for Breast-ovarian cancer, familial, susceptibility to, 2. Last evaluated: 2017-12-15. Review status: reviewed by expert panel. Criteria: ENIGMA BRCA1/2 Classification Criteria (2017-06-29). Collection method: curation. Allele origin: germline. Study: ENIGMA.
Comment: Variant allele predicted to encode a truncated non-functional protein.

Ambry Genetics
Classification: Pathogenic for Hereditary cancer-predisposing syndrome. Last evaluated: 2015-05-08. Review status: criteria provided, single submitter. Criteria: Ambry Variant Classification Scheme 2023. Collection method: clinical testing. Allele origin: germline. Not counted in ClinVar's aggregate classification.
Comment: The c.451_452dupGT pathogenic mutation, located in coding exon 4 of the BRCA2 gene, results from a duplication of GT at nucleotide position 451, causing a translational frameshift with a predicted alternate stop codon. Since frameshifts are typically deleterious in nature, this alteration is interpreted as a disease-causing mutation (ACMG Recommendations for Standards for Interpretation and Reporting of Sequence Variations. Revision 2007. Genet Med. 2008;10:294).

NM_000059.4(BRCA2):c.451_452dup (p.Val151_Thr152insTer)

Gene: BRCA2 (BRCA2 DNA repair associated; plus strand). Cytogenetic location: 13q13.1.
Variant type: Duplication.
Coding change: c.451_452dup on transcript NM_000059.4 (MANE Select); coding-DNA positions 451 to 452, 2 bases duplicated (GT; older notation c.451_452dupGT).
Protein change: p.Val151_Thr152insTer.
Molecular consequence: frameshift variant.
Genome position (GRCh38, 1-based): chr13:32,326,126-32,326,127, GT duplicated; duplicating any 2 consecutive bases within chr13:32,326,125-32,326,127 gives the same sequence; the c. name uses the placement nearest the transcript's 3' end. VCF-style (leftmost placement, unchanged base first): chr13-32326124-A-ATG. GRCh37 (hg19) VCF-style: chr13-32900261-A-ATG.
Other names: c.451_452dupGT (NM_000059.3).
Identifiers: ClinVar variation 231715 (VCV000231715.5), dbSNP rs876659317, ClinGen allele CA10579459.